The following is an entry in ClinVar:

NM_001023.4(RPS20):c.5C>T (p.Ala2Val)

Gene: RPS20 (ribosomal protein S20; minus strand). Cytogenetic location: 8q12.1.
Variant type: single nucleotide variant.
Coding change: c.5C>T on transcript NM_001023.4 (MANE Select); coding-DNA position 5, C replaced by T.
Protein change: p.Ala2Val; replaces alanine 2 with valine.
Molecular consequence: missense variant.
Genome position (GRCh38, 1-based): chr8:56,074,158, G>A on the plus strand (C>T on the coding strand, the complement: RPS20 is on the minus strand). VCF-style: chr8-56074158-G-A. GRCh37 (hg19) VCF-style: chr8-56986717-G-A.
Other names: c.5C>T, p.Ala2Val (NM_001146227.3); c.5C>T (NM_001023.3); short protein forms A2V.
Identifiers: ClinVar variation 1384329 (VCV001384329.11), dbSNP rs753426252, ClinGen allele CA4754476.

ClinVar aggregate classification (germline): Uncertain significance. Review status: criteria provided, multiple submitters, no conflicts (2 of 4 stars). 3 submissions from 3 submitters: Uncertain significance (3). Last evaluated 2024-12-13.

Conditions:
Hereditary nonpolyposis colon cancer (HNPCC). Also called: Hereditary nonpolyposis colorectal cancer; Familial nonpolyposis colon cancer; Hereditary Nonpolyposis Colorectal Cancer Syndrome. Identifiers: Orphanet 443909, MedGen C1333990, MONDO:0018630. Disease mechanism: loss of function.

Allele frequency attached by ClinVar (database versions not stated): ExAC 0.00002.
gnomAD v4.1: 24 of 1,609,832 alleles (0.0015%); highest among the groups gnomAD compares: Admixed American, 0.018%; no homozygotes.

Submissions (3):

Ambry Genetics
Classification: Uncertain significance. Last evaluated: 2024-12-13. Review status: criteria provided, single submitter. Criteria: Ambry Variant Classification Scheme 2023. Collection method: clinical testing. Allele origin: germline.
Comment: The p.A2V variant (also known as c.5C>T), located in coding exon 2 of the RPS20 gene, results from a C to T substitution at nucleotide position 5. The alanine at codon 2 is replaced by valine, an amino acid with similar properties. This amino acid position is conserved. In addition, this alteration is predicted to be deleterious by in silico analysis. Since supporting evidence is limited at this time, the clinical significance of this alteration remains unclear.

Labcorp Genetics (formerly Invitae), Labcorp
Classification: Uncertain significance. Last evaluated: 2024-03-24. Review status: criteria provided, single submitter. Criteria: Invitae Variant Classification Sherloc (09022015). Collection method: clinical testing. Allele origin: germline.
Comment: This sequence change replaces alanine, which is neutral and non-polar, with valine, which is neutral and non-polar, at codon 2 of the RPS20 protein (p.Ala2Val). This variant is present in population databases (rs753426252, gnomAD 0.01%). This variant has not been reported in the literature in individuals affected with RPS20-related conditions. ClinVar contains an entry for this variant (Variation ID: 1384329). An algorithm developed to predict the effect of missense changes on protein structure and function (PolyPhen-2) suggests that this variant is likely to be disruptive. In summary, the available evidence is currently insufficient to determine the role of this variant in disease. Therefore, it has been classified as a Variant of Uncertain Significance.

Baylor Genetics
Classification: Uncertain significance for Hereditary Nonpolyposis Colorectal Cancer. Last evaluated: 2023-10-15. Review status: criteria provided, single submitter. Criteria: ACMG Guidelines, 2015. Collection method: clinical testing. Allele origin: unknown.